The following is an entry in ClinVar:

NM_001145319.2(PLS1):c.966C>G (p.Asp322Glu)

Gene: PLS1 (plastin 1; plus strand). Cytogenetic location: 3q23.
Variant type: single nucleotide variant.
Coding change: c.966C>G on transcript NM_001145319.2 (MANE Select); coding-DNA position 966, C replaced by G.
Protein change: p.Asp322Glu; replaces aspartic acid 322 with glutamic acid.
Molecular consequence: missense variant.
Genome position (GRCh38, 1-based): chr3:142,686,361, C>G. VCF-style: chr3-142686361-C-G. GRCh37 (hg19) VCF-style: chr3-142405203-C-G.
Other names: c.966C>G, p.Asp322Glu (NM_001172312.2, NM_002670.3); short protein forms D322E.
Identifiers: ClinVar variation 4085246 (VCV004085246.8).

ClinVar aggregate classification (germline): Uncertain significance (1 of 4 stars; one submission).

Submission:

CeGaT Center for Human Genetics Tuebingen
Classification: Uncertain significance. Last evaluated: 2025-06-01. Review status: criteria provided, single submitter. Criteria: CeGaT Center For Human Genetics Tuebingen Variant Classification Criteria Version 2. Collection method: clinical testing. Allele origin: germline. Affected: yes. Observed: 1 variant allele.
Comment: PLS1: PM2